The following is an entry in ClinVar:

ClinVar aggregate classification (germline): Conflicting classifications of pathogenicity. Review status: criteria provided, conflicting classifications (1 of 4 stars). 3 submissions from 3 submitters: Uncertain significance (2); Likely benign (1). Last evaluated 2025-02-16.

Conditions:
Inborn genetic diseases. Identifiers: MedGen C0950123, MeSH D030342.
Charcot-Marie-Tooth disease axonal type 2Z. Also called: CHARCOT-MARIE-TOOTH DISEASE, AXONAL, AUTOSOMAL DOMINANT, TYPE 2Z; CHARCOT-MARIE-TOOTH NEUROPATHY, TYPE 2Z. Identifiers: Orphanet 466768, MedGen C5569025, MONDO:0014736, OMIM 616688.

Allele frequency attached by ClinVar (database versions not stated): ExAC 0.00002; gnomAD exomes 0.00002; TOPMed 0.00005; gnomAD 0.00006 and 0.00007; ESP Exome Variant Server 0.00015; 1000 Genomes Project 0.00020; 1000 Genomes Project 30x 0.00031.
gnomAD v4.1: 38 of 1,614,174 alleles (0.0024%); highest among the groups gnomAD compares: African/African-American, 0.013%; no homozygotes.

Submissions (3):

Laboratory of Genetics, Children's Clinical University Hospital Latvia
Classification: Likely benign. Last evaluated: 2025-02-16. Review status: criteria provided, single submitter. Criteria: ACMG Guidelines, 2015. Collection method: clinical testing. Allele origin: germline. Affected: yes.

Labcorp Genetics (formerly Invitae), Labcorp
Classification: Uncertain significance for Charcot-Marie-Tooth disease axonal type 2Z. Last evaluated: 2024-11-23. Review status: criteria provided, single submitter. Criteria: Invitae Variant Classification Sherloc (09022015). Collection method: clinical testing. Allele origin: germline.
Comment: This sequence change replaces arginine, which is basic and polar, with cysteine, which is neutral and slightly polar, at codon 893 of the MORC2 protein (p.Arg893Cys). This variant is present in population databases (rs150496681, gnomAD 0.02%). This variant has not been reported in the literature in individuals affected with MORC2-related conditions. ClinVar contains an entry for this variant (Variation ID: 951775). Invitae Evidence Modeling of protein sequence and biophysical properties (such as structural, functional, and spatial information, amino acid conservation, physicochemical variation, residue mobility, and thermodynamic stability) indicates that this missense variant is not expected to disrupt MORC2 protein function with a negative predictive value of 80%. In summary, the available evidence is currently insufficient to determine the role of this variant in disease. Therefore, it has been classified as a Variant of Uncertain Significance.

Ambry Genetics
Classification: Uncertain significance for Inborn genetic diseases. Last evaluated: 2022-06-22. Review status: criteria provided, single submitter. Criteria: Ambry Variant Classification Scheme 2023. Collection method: clinical testing. Allele origin: germline.
Comment: The p.R893C variant (also known as c.2677C>T), located in coding exon 23 of the MORC2 gene, results from a C to T substitution at nucleotide position 2677. The arginine at codon 893 is replaced by cysteine, an amino acid with highly dissimilar properties. This amino acid position is not well conserved in available vertebrate species. In addition, this alteration is predicted to be tolerated by in silico analysis. Since supporting evidence is limited at this time, the clinical significance of this alteration remains unclear.

NM_001303256.3(MORC2):c.2677C>T (p.Arg893Cys)

Gene: MORC2 (MORC family CW-type zinc finger 2; minus strand). Cytogenetic location: 22q12.2.
Variant type: single nucleotide variant.
Coding change: c.2677C>T on transcript NM_001303256.3 (MANE Select); coding-DNA position 2677, C replaced by T.
Protein change: p.Arg893Cys; replaces arginine 893 with cysteine.
Molecular consequence: missense variant.
Genome position (GRCh38, 1-based): chr22:30,932,615, G>A on the plus strand (C>T on the coding strand, the complement: MORC2 is on the minus strand). VCF-style: chr22-30932615-G-A. GRCh37 (hg19) VCF-style: chr22-31328602-G-A.
Other names: c.2677C>T, p.Arg893Cys (NM_001303257.2); c.2491C>T, p.Arg831Cys (NM_014941.3); short protein forms R893C, R831C.
Identifiers: ClinVar variation 951775 (VCV000951775.11), dbSNP rs150496681, ClinGen allele CA10186593.